The following is an entry in ClinVar:

ClinVar aggregate classification (germline): Uncertain significance (1 of 4 stars; one submission).

gnomAD v4.1: 1 of 1,211,764 alleles (0.000083%); no homozygotes.

Submission:

Labcorp Genetics (formerly Invitae), Labcorp
Classification: Uncertain significance. Last evaluated: 2025-10-01. Review status: criteria provided, single submitter. Criteria: Invitae Variant Classification Sherloc (09022015). Collection method: clinical testing. Allele origin: germline.
Comment: This sequence change replaces valine, which is neutral and non-polar, with phenylalanine, which is neutral and non-polar, at codon 49 of the BGN protein (p.Val49Phe). This variant is not present in population databases (gnomAD no frequency). This variant has not been reported in the literature in individuals affected with BGN-related conditions. An algorithm developed to predict the effect of missense changes on protein structure and function (PolyPhen-2) suggests that this variant is likely to be tolerated. In summary, the available evidence is currently insufficient to determine the role of this variant in disease. Therefore, it has been classified as a Variant of Uncertain Significance.

NM_001711.6(BGN):c.145G>T (p.Val49Phe)

Gene: BGN (biglycan; plus strand). Cytogenetic location: Xq28.
Variant type: single nucleotide variant.
Coding change: c.145G>T on transcript NM_001711.6 (MANE Select); coding-DNA position 145, G replaced by T.
Protein change: p.Val49Phe; replaces valine 49 with phenylalanine.
Molecular consequence: missense variant.
Genome position (GRCh38, 1-based): chrX:153,504,776, G>T. VCF-style: chrX-153504776-G-T. GRCh37 (hg19) VCF-style: chrX-152770234-G-T.
Other names: short protein forms V49F.
Identifiers: ClinVar variation 4803562 (VCV004803562.1).
Genomic context (GRCh38, chrX:153,504,776, plus strand): 5'-CTGGACGATGGGCCATTCATGATGAACGATGAGGAAGCTTCGGGCGCTGACACCTCGGGC[G>T]TCCTGGACCCGGACTCTGTCACACCCACCTACAGCGCCATGTGTCCTTTCGGCTGCCACT-3'
Protein context (NP_001702.1, residues 39-59): EEASGADTSG[Val49Phe]LDPDSVTPTY